The following is an entry in ClinVar:

NM_001363711.2(DUOX2):c.4271G>A (p.Arg1424His)

Gene: DUOX2 (dual oxidase 2; minus strand). Cytogenetic location: 15q21.1.
Variant type: single nucleotide variant.
Coding change: c.4271G>A on transcript NM_001363711.2 (MANE Select); coding-DNA position 4271, G replaced by A.
Protein change: p.Arg1424His; replaces arginine 1424 with histidine.
Molecular consequence: missense variant.
Genome position (GRCh38, 1-based): chr15:45,095,060, C>T on the plus strand (G>A on the coding strand, the complement: DUOX2 is on the minus strand). VCF-style: chr15-45095060-C-T. GRCh37 (hg19) VCF-style: chr15-45387258-C-T.
Other names: c.4271G>A, p.Arg1424His (NM_014080.5); short protein forms R1424H.
Identifiers: ClinVar variation 2405156 (VCV002405156.3), dbSNP rs748461702, ClinGen allele CA7537568.

ClinVar aggregate classification (germline): Uncertain significance. Review status: criteria provided, multiple submitters, no conflicts (2 of 4 stars). 2 submissions from 2 submitters: Uncertain significance (2). Last evaluated 2025-08-24.

Conditions:
Inborn genetic diseases. Identifiers: MedGen C0950123, MeSH D030342.

Allele frequency attached by ClinVar (database versions not stated): ExAC 0.00002.

Submissions (2):

Labcorp Genetics (formerly Invitae), Labcorp
Classification: Uncertain significance. Last evaluated: 2025-08-24. Review status: criteria provided, single submitter. Criteria: Invitae Variant Classification Sherloc (09022015). Collection method: clinical testing. Allele origin: germline.
Comment: This sequence change replaces arginine, which is basic and polar, with histidine, which is basic and polar, at codon 1424 of the DUOX2 protein (p.Arg1424His). This variant is present in population databases (rs748461702, gnomAD 0.002%). This variant has not been reported in the literature in individuals affected with DUOX2-related conditions. ClinVar contains an entry for this variant (Variation ID: 2405156). Invitae Evidence Modeling of protein sequence and biophysical properties (such as structural, functional, and spatial information, amino acid conservation, physicochemical variation, residue mobility, and thermodynamic stability) indicates that this missense variant is not expected to disrupt DUOX2 protein function with a negative predictive value of 95%. In summary, the available evidence is currently insufficient to determine the role of this variant in disease. Therefore, it has been classified as a Variant of Uncertain Significance.

Ambry Genetics
Classification: Uncertain significance for Inborn genetic diseases. Last evaluated: 2022-12-06. Review status: criteria provided, single submitter. Criteria: Ambry Variant Classification Scheme 2023. Collection method: clinical testing. Allele origin: germline.